The following is an entry in ClinVar:

ClinVar aggregate classification (germline): Uncertain significance (1 of 4 stars; one submission).

Conditions:
Aortic aneurysm, familial thoracic 7 (AAT7). Also called: AORTIC DISSECTION, FAMILIAL, WITH OR WITHOUT AORTIC ANEURYSM. Identifiers: MedGen C3151077, MONDO:0013418, OMIM 613780.

Allele frequency attached by ClinVar (database versions not stated): TOPMed below 0.00001; gnomAD 0.00001; gnomAD exomes 0.00001.
gnomAD v4.1: 20 of 1,613,928 alleles (0.0012%); highest among the groups gnomAD compares: Non-Finnish European, 0.0017%; no homozygotes.

Submission:

Labcorp Genetics (formerly Invitae), Labcorp
Classification: Uncertain significance for Aortic aneurysm, familial thoracic 7. Last evaluated: 2022-06-27. Review status: criteria provided, single submitter. Criteria: Invitae Variant Classification Sherloc (09022015). Collection method: clinical testing. Allele origin: germline.
Comment: This sequence change replaces threonine, which is neutral and polar, with serine, which is neutral and polar, at codon 1881 of the MYLK protein (p.Thr1881Ser). This variant is not present in population databases (gnomAD no frequency). This variant has not been reported in the literature in individuals affected with MYLK-related conditions. Advanced modeling of protein sequence and biophysical properties (such as structural, functional, and spatial information, amino acid conservation, physicochemical variation, residue mobility, and thermodynamic stability) performed at Invitae indicates that this missense variant is not expected to disrupt MYLK protein function. In summary, the available evidence is currently insufficient to determine the role of this variant in disease. Therefore, it has been classified as a Variant of Uncertain Significance.

NM_053025.4(MYLK):c.5642C>G (p.Thr1881Ser)

Genes: MYLK (myosin light chain kinase; minus strand), MYLK-AS1 (MYLK antisense RNA 1; plus strand). Cytogenetic location: 3q21.1.
Variant type: single nucleotide variant.
Coding change: c.5642C>G on transcript NM_053025.4 (MANE Select); coding-DNA position 5642, C replaced by G.
Protein change: p.Thr1881Ser; replaces threonine 1881 with serine.
Molecular consequence: missense variant.
Genome position (GRCh38, 1-based): chr3:123,614,208, G>C on the plus strand (C>G on the coding strand, the complement: MYLK is on the minus strand). VCF-style: chr3-123614208-G-C. GRCh37 (hg19) VCF-style: chr3-123333055-G-C.
Other names: c.5114C>G, p.Thr1705Ser (NM_001321309.2); c.5435C>G, p.Thr1812Ser (NM_053026.4); c.5489C>G, p.Thr1830Ser (NM_053027.4); c.5282C>G, p.Thr1761Ser (NM_053028.4); c.359C>G, p.Thr120Ser (NM_053031.4); c.362C>G, p.Thr121Ser (NM_053032.4); short protein forms T120S, T121S, T1705S, T1761S, T1812S, T1830S, T1881S.
Identifiers: ClinVar variation 1407574 (VCV001407574.8), dbSNP rs1232047611, ClinGen allele CA354228725.
Genomic context (GRCh38, chr3:123,614,208, plus strand): 5'-GTTTCCACAATGAGCTCTGCTGTGCAGGTGGCTTCTCCAAGACTGTTGACAGCCTTGCAG[G>C]TGTACTTGGCATCGTCATCCCCGCAAACATCACTAATAATTAAAGAGCAGTTCCCGTCCT-3'
Protein context (NP_444253.3, residues 1871-1891): DVCGDDDAKY[Thr1881Ser]CKAVNSLGEA